The following is an entry in ClinVar:

ClinVar aggregate classification (germline): Uncertain significance. Review status: criteria provided, multiple submitters, no conflicts (2 of 4 stars). 2 submissions from 2 submitters: Uncertain significance (2). Last evaluated 2026-06-18.

Conditions:
Loeys-Dietz syndrome 2 (LDS2). Also called: Marfan Syndrome type 2; Marfan like connective tissue disorder; MFS 2; TGFBR2-Related Loeys-Dietz Syndrome; AORTIC ANEURYSM, FAMILIAL THORACIC 3; MARFAN SYNDROME, TYPE II. Identifiers: Orphanet 284973, Orphanet 558, MedGen C2674574, MONDO:0012427, OMIM 610168.

Submissions (2):

Women's Health and Genetics/Laboratory Corporation of America, LabCorp
Classification: Uncertain significance. Last evaluated: 2026-06-18. Review status: criteria provided, single submitter. Criteria: LabCorp Variant Classification Summary - May 2015. Collection method: clinical testing. Allele origin: germline.
Comment: Variant summary: TMPO c.1069dupA (p.Arg357LysfsX8) results in a premature termination codon, predicted to cause a truncation of the encoded protein or absence of the protein due to nonsense mediated decay, however current evidence is not sufficient to establish loss of function as a mechanism for disease. The variant was absent in 251222 control chromosomes. The available data on variant occurrences in the general population are insufficient to allow any conclusion about variant significance. To our knowledge, no occurrence of c.1069dupA in individuals affected with TMPO-related conditions and no experimental evidence demonstrating its impact on protein function have been reported. No submitters have cited clinical-significance assessments for this variant to ClinVar. Based on the evidence outlined above, the variant was classified as uncertain significance.

Labcorp Genetics (formerly Invitae), Labcorp
Classification: Uncertain significance for Loeys-Dietz syndrome 2. Last evaluated: 2025-08-11. Review status: criteria provided, single submitter. Criteria: Invitae Variant Classification Sherloc (09022015). Collection method: clinical testing. Allele origin: germline.
Comment: This sequence change creates a premature translational stop signal (p.Arg357Lysfs*8) in the TMPO gene. While this is not anticipated to result in nonsense mediated decay, it is expected to disrupt the last 338 amino acid(s) of the TMPO protein. This variant is not present in population databases (gnomAD no frequency). This variant has not been reported in the literature in individuals affected with TMPO-related conditions. Experimental studies and prediction algorithms are not available or were not evaluated, and the functional significance of this variant is currently unknown. In summary, the available evidence is currently insufficient to determine the role of this variant in disease. Therefore, it has been classified as a Variant of Uncertain Significance.

NM_001032283.3(TMPO):c.565+1488dup

Gene: TMPO (thymopoietin; plus strand). Cytogenetic location: 12q23.1.
Variant type: Duplication.
Coding change: c.565+1488dup on transcript NM_001032283.3 (MANE Select); 1488 bases into the intron after coding-DNA position 565, one base duplicated (A; older notation c.565+1488dupA).
Molecular consequence: intron variant. On other transcripts: frameshift variant (1).
Genome position (GRCh38, 1-based): chr12:98,533,326, A duplicated; the last of 4 consecutive A bases (chr12:98,533,323-98,533,326); duplicating any one gives the same sequence. VCF-style (leftmost placement, unchanged base first): chr12-98533322-T-TA. GRCh37 (hg19) VCF-style: chr12-98927100-T-TA.
Other names: c.565+1488dup (NM_001307975.2, NM_001032284.3); c.1069dup, p.Arg357fs (NM_003276.2); c.1069dupA (NM_003276.2); short protein forms R357fs.
Identifiers: ClinVar variation 4761231 (VCV004761231.2).